The following is an entry in ClinVar:

ClinVar aggregate classification (germline): Conflicting classifications of pathogenicity. Review status: criteria provided, conflicting classifications (1 of 4 stars). 3 submissions from 3 submitters: Pathogenic (1); Uncertain significance (1). 1 of the submissions does not count toward it. Last evaluated 2022-07-31.

Conditions:
Pyruvate dehydrogenase E3 deficiency (DLDD). Also called: Lipoamide dehydrogenase deficiency; Lipoamide dehydrogenase deficiency, lactic acidosis due to; Dihydrolipoamide Dehydrogenase Deficiency; Dihydrolipoamide Dehydrogenase (E3) Deficiency; Dihydrolipoamide Dehydrogenase E3 Deficiency; DLD DEFICIENCY. Identifiers: Orphanet 2394, Orphanet 765, MedGen C5574660, MONDO:0009529, OMIM 246900.

Allele frequency attached by ClinVar (database versions not stated): ExAC 0.00001; gnomAD exomes 0.00002.
gnomAD v4.1: 3 of 1,613,932 alleles (0.00019%); highest among the groups gnomAD compares: Admixed American, 0.0033%; no homozygotes.

Submissions (3):

Labcorp Genetics (formerly Invitae), Labcorp
Classification: Uncertain significance for Pyruvate dehydrogenase E3 deficiency. Last evaluated: 2022-07-31. Review status: criteria provided, single submitter. Criteria: Invitae Variant Classification Sherloc (09022015). Collection method: clinical testing. Allele origin: germline.
Comment: This sequence change replaces isoleucine, which is neutral and non-polar, with methionine, which is neutral and non-polar, at codon 480 of the DLD protein (p.Ile480Met). This variant is present in population databases (rs772512477, gnomAD 0.006%). This missense change has been observed in individual(s) with dihydrolipoamide dehydroganse deficiency (PMID: 20652410). ClinVar contains an entry for this variant (Variation ID: 550498). Algorithms developed to predict the effect of missense changes on protein structure and function are either unavailable or do not agree on the potential impact of this missense change (SIFT: "Deleterious"; PolyPhen-2: "Possibly Damaging"; Align-GVGD: "Class C0"). In summary, the available evidence is currently insufficient to determine the role of this variant in disease. Therefore, it has been classified as a Variant of Uncertain Significance.

Mendelics
Classification: Pathogenic for Pyruvate dehydrogenase E3 deficiency. Last evaluated: 2022-05-04. Review status: criteria provided, single submitter. Criteria: Mendelics Assertion Criteria 2019. Collection method: clinical testing. Allele origin: germline.

Counsyl
Classification: Uncertain significance for Pyruvate dehydrogenase E3 deficiency. Last evaluated: 2017-02-07. Review status: no assertion criteria provided. Collection method: clinical testing. Allele origin: unknown. Not counted in ClinVar's aggregate classification.

Literature cited by the submitters: PubMed 20652410 (cited by Labcorp Genetics (formerly Invitae), Labcorp and Counsyl).

NM_000108.5(DLD):c.1440A>G (p.Ile480Met)

Gene: DLD (dihydrolipoamide dehydrogenase; plus strand). Cytogenetic location: 7q31.1.
Variant type: single nucleotide variant.
Coding change: c.1440A>G on transcript NM_000108.5 (MANE Select); coding-DNA position 1440, A replaced by G.
Protein change: p.Ile480Met; replaces isoleucine 480 with methionine.
Molecular consequence: missense variant.
Genome position (GRCh38, 1-based): chr7:107,919,075, A>G. VCF-style: chr7-107919075-A-G. GRCh37 (hg19) VCF-style: chr7-107559520-A-G.
Other names: c.1143A>G, p.Ile381Met (NM_001289750.1); c.1371A>G, p.Ile457Met (NM_001289751.1); c.1296A>G, p.Ile432Met (NM_001289752.1); short protein forms I480M, I432M, I457M, I381M.
Identifiers: ClinVar variation 550498 (VCV000550498.5), dbSNP rs772512477, ClinGen allele CA4434709.